The following is an entry in ClinVar:

NM_001845.6(COL4A1):c.14T>C (p.Leu5Pro)

Gene: COL4A1 (collagen type IV alpha 1 chain; minus strand). Cytogenetic location: 13q34.
Variant type: single nucleotide variant.
Coding change: c.14T>C on transcript NM_001845.6 (MANE Select); coding-DNA position 14, T replaced by C.
Protein change: p.Leu5Pro; replaces leucine 5 with proline.
Molecular consequence: missense variant.
Genome position (GRCh38, 1-based): chr13:110,307,014, A>G on the plus strand (T>C on the coding strand, the complement: COL4A1 is on the minus strand). VCF-style: chr13-110307014-A-G. GRCh37 (hg19) VCF-style: chr13-110959361-A-G.
Other names: c.14T>C, p.Leu5Pro (NM_001303110.2); short protein forms L5P.
Identifiers: ClinVar variation 3010053 (VCV003010053.3), dbSNP rs1322143564, ClinGen allele CA388732748.

ClinVar aggregate classification (germline): Uncertain significance (1 of 4 stars; one submission).

Allele frequency attached by ClinVar (database versions not stated): gnomAD 0.00001; gnomAD exomes 0.00001; TOPMed 0.00001.
gnomAD v4.1: 17 of 1,468,626 alleles (0.0012%); highest among the groups gnomAD compares: Non-Finnish European, 0.0013%; no homozygotes.

Submission:

Labcorp Genetics (formerly Invitae), Labcorp
Classification: Uncertain significance. Last evaluated: 2025-08-02. Review status: criteria provided, single submitter. Criteria: Invitae Variant Classification Sherloc (09022015). Collection method: clinical testing. Allele origin: germline.
Comment: This sequence change replaces leucine, which is neutral and non-polar, with proline, which is neutral and non-polar, at codon 5 of the COL4A1 protein (p.Leu5Pro). This variant is not present in population databases (gnomAD no frequency). This variant has not been reported in the literature in individuals affected with COL4A1-related conditions. ClinVar contains an entry for this variant (Variation ID: 3010053). Invitae Evidence Modeling of protein sequence and biophysical properties (such as structural, functional, and spatial information, amino acid conservation, physicochemical variation, residue mobility, and thermodynamic stability) indicates that this missense variant is not expected to disrupt COL4A1 protein function with a negative predictive value of 95%. In summary, the available evidence is currently insufficient to determine the role of this variant in disease. Therefore, it has been classified as a Variant of Uncertain Significance.